The following is an entry in ClinVar:

ClinVar aggregate classification (germline): Uncertain significance (1 of 4 stars; one submission).

Conditions:
Hyperkalemic periodic paralysis. Also called: Familial hyperkalemic periodic paralysis; Gamstorp disease. Identifiers: Orphanet 682, MedGen C0238357, MONDO:0008224, OMIM 170500, HP:0007215.

Submission:

Labcorp Genetics (formerly Invitae), Labcorp
Classification: Uncertain significance for Hyperkalemic periodic paralysis. Last evaluated: 2023-10-09. Review status: criteria provided, single submitter. Criteria: Invitae Variant Classification Sherloc (09022015). Collection method: clinical testing. Allele origin: germline.
Comment: This sequence change replaces arginine, which is basic and polar, with glycine, which is neutral and non-polar, at codon 22 of the SCN4A protein (p.Arg22Gly). This variant is not present in population databases (gnomAD no frequency). This variant has not been reported in the literature in individuals affected with SCN4A-related conditions. Advanced modeling of protein sequence and biophysical properties (such as structural, functional, and spatial information, amino acid conservation, physicochemical variation, residue mobility, and thermodynamic stability) has been performed at Invitae for this missense variant, however the output from this modeling did not meet the statistical confidence thresholds required to predict the impact of this variant on SCN4A protein function. In summary, the available evidence is currently insufficient to determine the role of this variant in disease. Therefore, it has been classified as a Variant of Uncertain Significance.

NM_000334.4(SCN4A):c.64C>G (p.Arg22Gly)

Gene: SCN4A (sodium voltage-gated channel alpha subunit 4; minus strand). Cytogenetic location: 17q23.3.
Variant type: single nucleotide variant.
Coding change: c.64C>G on transcript NM_000334.4 (MANE Select); coding-DNA position 64, C replaced by G.
Protein change: p.Arg22Gly; replaces arginine 22 with glycine.
Molecular consequence: missense variant.
Genome position (GRCh38, 1-based): chr17:63,972,778, G>C on the plus strand (C>G on the coding strand, the complement: SCN4A is on the minus strand). VCF-style: chr17-63972778-G-C. GRCh37 (hg19) VCF-style: chr17-62050138-G-C.
Other names: short protein forms R22G.
Identifiers: ClinVar variation 2767320 (VCV002767320.3), dbSNP rs865873054, ClinGen allele CA400640539.
Genomic context (GRCh38, chr17:63,972,778, plus strand): 5'-TCCGCTGCAGCCGGGCCTCCTCCTCCACCGCCCGCTGTTCTATGGCTGCCAGTGACTCCC[G>C]GGTGAAGGGGCGCAAGCACTCAGGGCCCAGAGGCACCAGGGTGCACAGAGATGGTCTGGC-3'
Protein context (NP_000325.4, residues 12-32): LGPECLRPFT[Arg22Gly]ESLAAIEQRA